The following is an entry in ClinVar:

ClinVar aggregate classification (germline): Uncertain significance (1 of 4 stars; one submission).

Conditions:
Ataxia-telangiectasia syndrome (AT). Also called: Ataxia-telangiectasia, complementation group D; AT, COMPLEMENTATION GROUP C; ATAXIA-TELANGIECTASIA, COMPLEMENTATION GROUP A; ATAXIA-TELANGIECTASIA, FRESNO VARIANT; Ataxia-telangiectasia; LOUIS-BAR SYNDROME. Identifiers: Orphanet 100, MedGen C0004135, MONDO:0008840, OMIM 208900.

Submission:

Labcorp Genetics (formerly Invitae), Labcorp
Classification: Uncertain significance for Ataxia-telangiectasia syndrome. Last evaluated: 2018-09-06. Review status: criteria provided, single submitter. Criteria: Invitae Variant Classification Sherloc (09022015). Collection method: clinical testing. Allele origin: germline.
Comment: This variant has not been reported in the literature in individuals with ATM-related disease. This sequence change replaces tyrosine with aspartic acid at codon 2036 of the ATM protein (p.Tyr2036Asp). The tyrosine residue is highly conserved and there is a large physicochemical difference between tyrosine and aspartic acid. This variant is not present in population databases (ExAC no frequency). Algorithms developed to predict the effect of missense changes on protein structure and function (SIFT, PolyPhen-2, Align-GVGD) all suggest that this variant is likely to be disruptive, but these predictions have not been confirmed by published functional studies and their clinical significance is uncertain. In summary, the available evidence is currently insufficient to determine the role of this variant in disease. Therefore, it has been classified as a Variant of Uncertain Significance.

NM_000051.4(ATM):c.6106T>G (p.Tyr2036Asp)

Genes: ATM (ATM serine/threonine kinase; plus strand), C11orf65 (chromosome 11 open reading frame 65; minus strand). Cytogenetic location: 11q22.3.
Variant type: single nucleotide variant.
Coding change: c.6106T>G on transcript NM_000051.4 (MANE Select); coding-DNA position 6106, T replaced by G.
Protein change: p.Tyr2036Asp; replaces tyrosine 2036 with aspartic acid.
Molecular consequence: missense variant. On other transcripts: intron variant (2).
Genome position (GRCh38, 1-based): chr11:108,316,021, T>G. VCF-style: chr11-108316021-T-G. GRCh37 (hg19) VCF-style: chr11-108186748-T-G.
Other names: c.6106T>G, p.Tyr2036Asp (NM_001351834.2); c.641-6950A>C (NM_001330368.2); c.*39-6950A>C (NM_001351110.2); short protein forms Y2036D.
Identifiers: ClinVar variation 646723 (VCV000646723.9), dbSNP rs1591778483, ClinGen allele CA382550333.